The following is an entry in ClinVar:

NM_001318852.2(MAPK8IP3):c.1863G>C (p.Ser621=)

Gene: MAPK8IP3 (mitogen-activated protein kinase 8 interacting protein 3; plus strand). Cytogenetic location: 16p13.3.
Variant type: single nucleotide variant.
Coding change: c.1863G>C on transcript NM_001318852.2 (MANE Select); coding-DNA position 1863, G replaced by C.
Protein change: p.Ser621=; no amino-acid change (serine 621 retained).
Molecular consequence: synonymous variant.
Genome position (GRCh38, 1-based): chr16:1,762,971, G>C. VCF-style: chr16-1762971-G-C. GRCh37 (hg19) VCF-style: chr16-1812972-G-C.
Other names: NC_000016.9:g.1812972G>C; c.1842G>C, p.Ser614= (NM_001040439.2); c.1860G>C, p.Ser620= (NM_015133.5); c.1863G>C (NM_001318852.1).
Identifiers: ClinVar variation 1232954 (VCV001232954.7), dbSNP rs2294616, ClinGen allele CA7817043.

ClinVar aggregate classification (germline): Benign. Review status: criteria provided, multiple submitters, no conflicts (2 of 4 stars). 3 submissions from 3 submitters: Benign (2). 1 of the submissions does not count toward it. Last evaluated 2020-02-10.

Conditions:
MAPK8IP3-related disorder. Also called: MAPK8IP3-related condition.

Allele frequency attached by ClinVar (database versions not stated): ESP Exome Variant Server 0.10003; TOPMed 0.10726; 1000 Genomes Project 30x 0.14507; 1000 Genomes Project 0.15056.
gnomAD v4.1: 215,414 of 1,612,790 alleles (13%); highest among the groups gnomAD compares: East Asian, 30%; 16,037 homozygotes.

Submissions (14):

GeneDx
Classification: Benign. Last evaluated: 2020-02-10. Review status: criteria provided, single submitter. Criteria: GeneDx Variant Classification Process June 2021. Collection method: clinical testing. Allele origin: germline. Affected: yes.

Breakthrough Genomics
Classification: Benign. Review status: criteria provided, single submitter. Criteria: ACMG Guidelines, 2015. Collection method: not provided. Allele origin: germline. Inheritance: Autosomal dominant inheritance. Affected: yes.

PreventionGenetics, part of Exact Sciences
Classification: Benign for MAPK8IP3-related condition. Last evaluated: 2019-11-07. Review status: no assertion criteria provided. Collection method: clinical testing. Allele origin: germline. Not counted in ClinVar's aggregate classification.
Comment: This variant is classified as benign based on ACMG/AMP sequence variant interpretation guidelines (Richards et al. 2015 PMID: 25741868, with internal and published modifications).

Dr. Peter K. Rogan Lab, Western University
No classification provided (evidence only). Condition: Colorectal cancer. Review status: no classification provided. Collection method: in vitro. Allele origin: not applicable. Functional consequence: retained intron. Not counted in ClinVar's aggregate classification.

Dr. Peter K. Rogan Lab, Western University
No classification provided (evidence only). Condition: Malignant lymphoma, large B-cell, diffuse. Review status: no classification provided. Collection method: in vitro. Allele origin: not applicable. Functional consequence: retained intron. Not counted in ClinVar's aggregate classification.

Dr. Peter K. Rogan Lab, Western University
No classification provided (evidence only). Condition: Malignant lymphoma, large B-cell, diffuse. Review status: no classification provided. Collection method: in vitro. Allele origin: not applicable. Functional consequence: retained intron. Not counted in ClinVar's aggregate classification.

Dr. Peter K. Rogan Lab, Western University
No classification provided (evidence only). Condition: Malignant lymphoma, large B-cell, diffuse. Review status: no classification provided. Collection method: in vitro. Allele origin: not applicable. Functional consequence: retained intron. Not counted in ClinVar's aggregate classification.

Dr. Peter K. Rogan Lab, Western University
No classification provided (evidence only). Condition: Cholangiocarcinoma. Review status: no classification provided. Collection method: in vitro. Allele origin: not applicable. Functional consequence: retained intron. Not counted in ClinVar's aggregate classification.

Dr. Peter K. Rogan Lab, Western University
No classification provided (evidence only). Condition: Cholangiocarcinoma. Review status: no classification provided. Collection method: in vitro. Allele origin: not applicable. Functional consequence: retained intron. Not counted in ClinVar's aggregate classification.

Dr. Peter K. Rogan Lab, Western University
No classification provided (evidence only). Condition: Cholangiocarcinoma. Review status: no classification provided. Collection method: in vitro. Allele origin: not applicable. Functional consequence: retained intron. Not counted in ClinVar's aggregate classification.

Dr. Peter K. Rogan Lab, Western University
No classification provided (evidence only). Condition: Uterine carcinosarcoma. Review status: no classification provided. Collection method: in vitro. Allele origin: not applicable. Functional consequence: retained intron. Not counted in ClinVar's aggregate classification.

Dr. Peter K. Rogan Lab, Western University
No classification provided (evidence only). Condition: Uterine carcinosarcoma. Review status: no classification provided. Collection method: in vitro. Allele origin: not applicable. Functional consequence: retained intron. Not counted in ClinVar's aggregate classification.

Dr. Peter K. Rogan Lab, Western University
No classification provided (evidence only). Condition: Uterine carcinosarcoma. Review status: no classification provided. Collection method: in vitro. Allele origin: not applicable. Functional consequence: retained intron. Not counted in ClinVar's aggregate classification.

Dr. Peter K. Rogan Lab, Western University
No classification provided (evidence only). Condition: Uveal melanoma. Review status: no classification provided. Collection method: in vitro. Allele origin: not applicable. Functional consequence: retained intron. Not counted in ClinVar's aggregate classification.